The following is an entry in ClinVar:

NM_001897.5(CSPG4):c.5939G>A (p.Arg1980His)

Gene: CSPG4 (chondroitin sulfate proteoglycan 4; minus strand). Cytogenetic location: 15q24.2.
Variant type: single nucleotide variant.
Coding change: c.5939G>A on transcript NM_001897.5 (MANE Select); coding-DNA position 5939, G replaced by A.
Protein change: p.Arg1980His; replaces arginine 1980 with histidine.
Molecular consequence: missense variant.
Genome position (GRCh38, 1-based): chr15:75,676,580, C>T on the plus strand (G>A on the coding strand, the complement: CSPG4 is on the minus strand). VCF-style: chr15-75676580-C-T. GRCh37 (hg19) VCF-style: chr15-75968921-C-T.
Other names: short protein forms R1980H.
Identifiers: ClinVar variation 2645568 (VCV002645568.24), dbSNP rs117177957, ClinGen allele CA7669509.

ClinVar aggregate classification (germline): Likely benign (1 of 4 stars; one submission).

Allele frequency attached by ClinVar (database versions not stated): gnomAD 0.00285; ExAC 0.00304; ESP Exome Variant Server 0.00316; 1000 Genomes Project 30x 0.00328; TOPMed 0.00335; 1000 Genomes Project 0.00339; gnomAD exomes 0.00408.
gnomAD v4.1: 6,380 of 1,613,092 alleles (0.4%); highest among the groups gnomAD compares: Non-Finnish European, 0.48%; 22 homozygotes.

Submission:

CeGaT Center for Human Genetics Tuebingen
Classification: Likely benign. Last evaluated: 2022-08-01. Review status: criteria provided, single submitter. Criteria: CeGaT Center For Human Genetics Tuebingen Variant Classification Criteria Version 2. Collection method: clinical testing. Allele origin: germline. Affected: yes. Observed: 1 variant allele.
Comment: CSPG4: BP4